The following is an entry in ClinVar:

ClinVar aggregate classification (germline): Uncertain significance (1 of 4 stars; one submission).

Conditions:
Hereditary cancer-predisposing syndrome. Also called: Neoplastic Syndromes, Hereditary; Tumor predisposition; Hereditary neoplastic syndrome; Hereditary Cancer Syndrome. Identifiers: Orphanet 140162, MedGen C0027672, MeSH D009386, MONDO:0015356.

Submission:

Ambry Genetics
Classification: Uncertain significance for Hereditary cancer-predisposing syndrome. Last evaluated: 2025-05-19. Review status: criteria provided, single submitter. Criteria: Ambry Variant Classification Scheme 2023. Collection method: clinical testing. Allele origin: germline.
Comment: The p.V146G variant (also known as c.437T>G), located in coding exon 1 of the HOXB13 gene, results from a T to G substitution at nucleotide position 437. The valine at codon 146 is replaced by glycine, an amino acid with dissimilar properties. This amino acid position is conserved. In addition, this alteration is predicted to be deleterious by in silico analysis. Based on the available evidence, the clinical significance of this variant remains unclear.

NM_006361.6(HOXB13):c.437T>G (p.Val146Gly)

Gene: HOXB13 (homeobox B13; minus strand). Cytogenetic location: 17q21.32.
Variant type: single nucleotide variant.
Coding change: c.437T>G on transcript NM_006361.6 (MANE Select); coding-DNA position 437, T replaced by G.
Protein change: p.Val146Gly; replaces valine 146 with glycine.
Molecular consequence: missense variant.
Genome position (GRCh38, 1-based): chr17:48,728,157, A>C on the plus strand (T>G on the coding strand, the complement: HOXB13 is on the minus strand). VCF-style: chr17-48728157-A-C. GRCh37 (hg19) VCF-style: chr17-46805519-A-C.
Other names: short protein forms V146G.
Identifiers: ClinVar variation 4035956 (VCV004035956.1).